The following is an entry in ClinVar:

ClinVar aggregate classification (germline): Uncertain significance (1 of 4 stars; one submission).

Submission:

GeneDx
Classification: Uncertain significance. Last evaluated: 2023-06-29. Review status: criteria provided, single submitter. Criteria: GeneDx Variant Classification Process June 2021. Collection method: clinical testing. Allele origin: germline. Affected: yes.
Comment: Not observed at significant frequency in large population cohorts (gnomAD); In silico analysis supports that this missense variant does not alter protein structure/function; Has not been previously published as pathogenic or benign to our knowledge

NM_016604.4(KDM3B):c.4024T>A (p.Ser1342Thr)

Gene: KDM3B (lysine demethylase 3B; plus strand). Cytogenetic location: 5q31.2.
Variant type: single nucleotide variant.
Coding change: c.4024T>A on transcript NM_016604.4 (MANE Select); coding-DNA position 4024, T replaced by A.
Protein change: p.Ser1342Thr; replaces serine 1342 with threonine.
Molecular consequence: missense variant.
Genome position (GRCh38, 1-based): chr5:138,424,126, T>A. VCF-style: chr5-138424126-T-A. GRCh37 (hg19) VCF-style: chr5-137759815-T-A.
Other names: short protein forms S1342T.
Identifiers: ClinVar variation 3360658 (VCV003360658.1).